The following is an entry in ClinVar:

ClinVar aggregate classification (germline): Uncertain significance (1 of 4 stars; one submission).

Submission:

GeneDx
Classification: Uncertain significance. Last evaluated: 2019-10-23. Review status: criteria provided, single submitter. Criteria: GeneDx Variant Classification Process June 2021. Collection method: clinical testing. Allele origin: germline. Affected: yes.
Comment: Not observed in large population cohorts (Lek 2016); In silico analysis, which includes protein predictors and evolutionary conservation, supports that this variant does not alter protein structure/function; Has not been previously published as pathogenic or benign to our knowledge

NM_000077.5(CDKN2A):c.415G>T (p.Gly139Cys)

Gene: CDKN2A (cyclin dependent kinase inhibitor 2A; minus strand). Cytogenetic location: 9p21.3.
Variant type: single nucleotide variant.
Coding change: c.415G>T on transcript NM_000077.5; coding-DNA position 415, G replaced by T.
Protein change: p.Gly139Cys; replaces glycine 139 with cysteine.
Molecular consequence: missense variant (on NM_000077.6). On other transcripts: 3 prime UTR variant (2).
Genome position (GRCh38, 1-based): chr9:21,970,944, C>A on the plus strand (G>T on the coding strand, the complement: CDKN2A is on the minus strand). VCF-style: chr9-21970944-C-A. GRCh37 (hg19) VCF-style: chr9-21970943-C-A.
Other names: c.415G>T, p.Gly139Cys (NM_000077.6, NM_001195132.2); c.262G>T, p.Gly88Cys (NM_001363763.2); c.*59G>T (NM_058195.4); c.*338G>T (NM_058197.5); short protein forms G139C, G88C.
Identifiers: ClinVar variation 1316508 (VCV001316508.2), dbSNP rs587781733, ClinGen allele CA373085886.
Genomic context (GRCh38, chr9:21,970,944, plus strand): 5'-CAGATCATCAGTCCTCACCTGAGGGACCTTCCGCGGCATCTATGCGGGCATGGTTACTGC[C>A]TCTGGTGCCCCCCGCAGCCGCGCGCAGGTACCGTGCGACATCGCGATGGCCCAGCTCCTC-3'
Protein context (NP_000068.1, residues 129-149): YLRAAAGGTR[Gly139Cys]SNHARIDAAE